The following is an entry in ClinVar:

ClinVar aggregate classification (germline): Uncertain significance (1 of 4 stars; one submission).

Conditions:
Congenital hyperammonemia, type I. Also called: CPS I DEFICIENCY; Carbamoyl phosphate synthetase I deficiency disease; Carbamoyl-phosphate synthase I deficiency; Carbamoyl phosphate synthetase 1 deficiency; Hyperammonemia due to carbamoyl phosphate synthetase 1 deficiency; CPS 1 deficiency. Identifiers: Orphanet 147, MedGen C4082171, MONDO:0009376, OMIM 237300.

Submission:

Labcorp Genetics (formerly Invitae), Labcorp
Classification: Uncertain significance for Congenital hyperammonemia, type I. Last evaluated: 2024-10-08. Review status: criteria provided, single submitter. Criteria: Invitae Variant Classification Sherloc (09022015). Collection method: clinical testing. Allele origin: germline.
Comment: This sequence change replaces valine, which is neutral and non-polar, with methionine, which is neutral and non-polar, at codon 584 of the CPS1 protein (p.Val584Met). This variant is not present in population databases (gnomAD no frequency). This variant has not been reported in the literature in individuals affected with CPS1-related conditions. Invitae Evidence Modeling of protein sequence and biophysical properties (such as structural, functional, and spatial information, amino acid conservation, physicochemical variation, residue mobility, and thermodynamic stability) has been performed for this missense variant. However, the output from this modeling did not meet the statistical confidence thresholds required to predict the impact of this variant on CPS1 protein function. In summary, the available evidence is currently insufficient to determine the role of this variant in disease. Therefore, it has been classified as a Variant of Uncertain Significance.

NM_001875.5(CPS1):c.1750G>A (p.Val584Met)

Gene: CPS1 (carbamoyl-phosphate synthase 1; plus strand). Cytogenetic location: 2q34.
Variant type: single nucleotide variant.
Coding change: c.1750G>A on transcript NM_001875.5 (MANE Select); coding-DNA position 1750, G replaced by A.
Protein change: p.Val584Met; replaces valine 584 with methionine.
Molecular consequence: missense variant. On other transcripts: non-coding transcript variant (2).
Genome position (GRCh38, 1-based): chr2:210,602,244, G>A. VCF-style: chr2-210602244-G-A. GRCh37 (hg19) VCF-style: chr2-211466968-G-A.
Other names: c.1750G>A, p.Val584Met (NM_001122633.3, NM_001369257.1); c.1783G>A, p.Val595Met (NM_001369256.1); short protein forms V584M, V595M.
Identifiers: ClinVar variation 3613546 (VCV003613546.2).